The following is an entry in ClinVar:

ClinVar aggregate classification (germline): Pathogenic (1 of 4 stars; one submission).

Conditions:
Familial hypobetalipoproteinemia 1. Also called: APOB-Related Familial Hypobetalipoproteinemia; Hypobetalipoproteinemia, normotriglyceridemic; Acanthocytosis with hypobetalipoproteinemia. Identifiers: MedGen C4551990, MONDO:0014252, OMIM 615558.
Hypercholesterolemia, autosomal dominant, type B (FHCL2). Also called: APOB-Related Familial Hypercholesterolemia, Autosomal Dominant; Familial hypercholesterolemia 2; Familial Hypercholesterolemia Type B; APOLIPOPROTEIN B-100, FAMILIAL DEFECTIVE; APOLIPOPROTEIN B-100, FAMILIAL LIGAND-DEFECTIVE; HYPERCHOLESTEROLEMIA, FAMILIAL, DUE TO LIGAND-DEFECTIVE APOLIPOPROTEIN B. Identifiers: MedGen C1704417, MONDO:0007751, OMIM 144010.

gnomAD v4.1: 1 of 1,613,920 alleles (0.000062%); highest among the groups gnomAD compares: Non-Finnish European, 0.000085%; no homozygotes.

Submission:

Labcorp Genetics (formerly Invitae), Labcorp
Classification: Pathogenic for Familial hypobetalipoproteinemia 1; Hypercholesterolemia, autosomal dominant, type B. Last evaluated: 2025-03-07. Review status: criteria provided, single submitter. Criteria: Invitae Variant Classification Sherloc (09022015). Collection method: clinical testing. Allele origin: germline.
Comment: This sequence change creates a premature translational stop signal (p.Glu2868*) in the APOB gene. It is expected to result in an absent or disrupted protein product. Loss-of-function variants in APOB are known to be pathogenic (PMID: 20032471). This variant is not present in population databases (gnomAD no frequency). This variant has not been reported in the literature in individuals affected with APOB-related conditions. For these reasons, this variant has been classified as Pathogenic.

Literature cited by the submitters: PubMed 20032471.

NM_000384.3(APOB):c.8602G>T (p.Glu2868Ter)

Gene: APOB (apolipoprotein B; minus strand). Cytogenetic location: 2p24.1.
Variant type: single nucleotide variant.
Coding change: c.8602G>T on transcript NM_000384.3 (MANE Select); coding-DNA position 8602, G replaced by T.
Protein change: p.Glu2868Ter; replaces glutamic acid 2868 with a stop codon.
Molecular consequence: nonsense.
Genome position (GRCh38, 1-based): chr2:21,008,266, C>A on the plus strand (G>T on the coding strand, the complement: APOB is on the minus strand). VCF-style: chr2-21008266-C-A. GRCh37 (hg19) VCF-style: chr2-21231138-C-A.
Other names: short protein forms E2868*.
Identifiers: ClinVar variation 4784371 (VCV004784371.1).
Genomic context (GRCh38, chr2:21,008,266, plus strand): 5'-TAGTGTTGCTATCCAGGGTAAGCTGATTGTTTATCTTGACAATCACTCCATTACTAAGCT[C>A]CAGTGTATTTTTTTCTGTGTGTAAACTTGCCACTGTGTTTGATTTTCCCTCAATAGCATT-3'